The following is an entry in ClinVar:

ClinVar aggregate classification (germline): Uncertain significance. Review status: criteria provided, multiple submitters, no conflicts (2 of 4 stars). 2 submissions from 2 submitters: Uncertain significance (2). Last evaluated 2025-05-16.

Conditions:
Hereditary cancer-predisposing syndrome. Also called: Neoplastic Syndromes, Hereditary; Hereditary Cancer Syndrome; Hereditary neoplastic syndrome; Tumor predisposition. Identifiers: Orphanet 140162, MedGen C0027672, MeSH D009386, MONDO:0015356.
Familial adenomatous polyposis 1 (FAP1). Also called: FAMILIAL ADENOMATOUS POLYPOSIS 1, ATTENUATED; POLYPOSIS, ADENOMATOUS INTESTINAL. Identifiers: MedGen C2713442, MONDO:0021056, OMIM 175100. Disease mechanism: loss of function.

Allele frequency attached by ClinVar (database versions not stated): gnomAD exomes below 0.00001; ExAC 0.00001.

Submissions (2):

Ambry Genetics
Classification: Uncertain significance for Hereditary cancer-predisposing syndrome. Last evaluated: 2025-05-16. Review status: criteria provided, single submitter. Criteria: Ambry Variant Classification Scheme 2023. Collection method: clinical testing. Allele origin: germline.
Comment: The p.K1182N variant (also known as c.3546A>T), located in coding exon 15 of the APC gene, results from an A to T substitution at nucleotide position 3546. The lysine at codon 1182 is replaced by asparagine, an amino acid with similar properties. This amino acid position is highly conserved in available vertebrate species. In addition, in silico predictors for this gene do not accurately predict pathogenicity. Missense alterations in APC are not a common cause of disease (Spier I et al. Genet Med. 2024 Feb;26(2):100992). Based on the available evidence, the clinical significance of this variant remains unclear.

Labcorp Genetics (formerly Invitae), Labcorp
Classification: Uncertain significance for Familial adenomatous polyposis 1. Last evaluated: 2020-08-07. Review status: criteria provided, single submitter. Criteria: Invitae Variant Classification Sherloc (09022015). Collection method: clinical testing. Allele origin: germline.
Comment: This sequence change replaces lysine with asparagine at codon 1182 of the APC protein (p.Lys1182Asn). The lysine residue is highly conserved and there is a moderate physicochemical difference between lysine and asparagine. In summary, the available evidence is currently insufficient to determine the role of this variant in disease. Therefore, it has been classified as a Variant of Uncertain Significance. Algorithms developed to predict the effect of missense changes on protein structure and function are either unavailable or do not agree on the potential impact of this missense change (SIFT: "Deleterious"; PolyPhen-2: "Probably Damaging"; Align-GVGD: "Class C0"). This variant has not been reported in the literature in individuals with APC-related conditions. This variant is present in population databases (rs769950725, ExAC 0.002%).

NM_000038.6(APC):c.3546A>T (p.Lys1182Asn)

Gene: APC (APC regulator of Wnt signaling pathway; plus strand). Cytogenetic location: 5q22.2.
Variant type: single nucleotide variant.
Coding change: c.3546A>T on transcript NM_000038.6 (MANE Select); coding-DNA position 3546, A replaced by T.
Protein change: p.Lys1182Asn; replaces lysine 1182 with asparagine.
Molecular consequence: missense variant.
Genome position (GRCh38, 1-based): chr5:112,839,140, A>T. VCF-style: chr5-112839140-A-T. GRCh37 (hg19) VCF-style: chr5-112174837-A-T.
Other names: c.3546A>T, p.Lys1182Asn (NM_001127510.3, NM_001354895.2); c.3492A>T, p.Lys1164Asn (NM_001127511.3); c.3600A>T, p.Lys1200Asn (NM_001354896.2); c.3576A>T, p.Lys1192Asn (NM_001354897.2); c.3471A>T, p.Lys1157Asn (NM_001354898.2); c.3462A>T, p.Lys1154Asn (NM_001354899.2); c.3423A>T, p.Lys1141Asn (NM_001354900.2); c.3369A>T, p.Lys1123Asn (NM_001354901.2); and 6 more; short protein forms K1022N, K1056N, K1081N, K1091N, K1123N, K1141N, K1154N, K1157N.
Identifiers: ClinVar variation 1060395 (VCV001060395.11), dbSNP rs769950725, ClinGen allele CA035695.